The following is an entry in ClinVar:

ClinVar aggregate classification (germline): Uncertain significance (1 of 4 stars; one submission).

Conditions:
Neurofibromatosis, type 1 (NF1). Also called: NEUROFIBROMATOSIS, TYPE I, SOMATIC; VON RECKLINGHAUSEN DISEASE; Peripheral type neurofibromatosis; Neurofibromatosis, type I. Identifiers: Orphanet 636, MedGen C0027831, MONDO:0018975, OMIM 162200. Disease mechanism: loss of function.

gnomAD v4.1: 1 of 1,593,528 alleles (0.000063%); highest among the groups gnomAD compares: Non-Finnish European, 0.000085%; no homozygotes.

Submission:

Labcorp Genetics (formerly Invitae), Labcorp
Classification: Uncertain significance for Neurofibromatosis, type 1. Last evaluated: 2025-11-10. Review status: criteria provided, single submitter. Criteria: Invitae Variant Classification Sherloc (09022015). Collection method: clinical testing. Allele origin: germline.
Comment: This sequence change falls in intron 40 of the NF1 gene. It does not directly change the encoded amino acid sequence of the NF1 protein. RNA analysis indicates that this variant induces altered splicing and may result in an absent or altered protein product. This variant is not present in population databases (gnomAD no frequency). This variant has not been reported in the literature in individuals affected with NF1-related conditions. Studies have shown that this variant results in skipping of exon 41, and produces a non-functional protein and/or introduces a premature termination codon (internal data). In summary, the available evidence is currently insufficient to determine the role of this variant in disease. Therefore, it has been classified as a Variant of Uncertain Significance.

NM_001042492.3(NF1):c.6148-10T>G

Gene: NF1 (neurofibromin 1; plus strand). Cytogenetic location: 17q11.2.
Variant type: single nucleotide variant.
Coding change: c.6148-10T>G on transcript NM_001042492.3 (MANE Select); 10 bases into the intron before coding-DNA position 6148, T replaced by G.
Molecular consequence: intron variant.
Genome position (GRCh38, 1-based): chr17:31,336,625, T>G. VCF-style: chr17-31336625-T-G. GRCh37 (hg19) VCF-style: chr17-29663643-T-G.
Other names: c.6085-10T>G (NM_000267.4).
Identifiers: ClinVar variation 4724397 (VCV004724397.1).